The following is an entry in ClinVar:

NM_001042492.3(NF1):c.3310_3312del (p.Leu1104del)

Gene: NF1 (neurofibromin 1; plus strand). Cytogenetic location: 17q11.2.
Variant type: Deletion.
Coding change: c.3310_3312del on transcript NM_001042492.3 (MANE Select); coding-DNA positions 3310 to 3312, 3 bases deleted (CTT; older notation c.3310_3312delCTT).
Protein change: p.Leu1104del; deletes leucine 1104.
Molecular consequence: inframe deletion. On other transcripts: inframe indel (1).
Genome position (GRCh38, 1-based): chr17:31,232,185-31,232,187, CTT deleted; deleting any 3 consecutive bases within chr17:31,232,183-31,232,187 gives the same sequence; the c. name uses the placement nearest the transcript's 3' end. VCF-style (leftmost placement, unchanged base first): chr17-31232182-TTTC-T. GRCh37 (hg19) VCF-style: chr17-29559200-TTTC-T.
Other names: c.3310_3312delCTT, p.Leu1104del (NM_000267.4); short protein forms L1104del.
Identifiers: ClinVar variation 3645267 (VCV003645267.2).

ClinVar aggregate classification (germline): Uncertain significance (1 of 4 stars; one submission).

Conditions:
Neurofibromatosis, type 1 (NF1). Also called: Peripheral type neurofibromatosis; VON RECKLINGHAUSEN DISEASE; Neurofibromatosis, type I; NEUROFIBROMATOSIS, TYPE I, SOMATIC. Identifiers: Orphanet 636, MedGen C0027831, MONDO:0018975, OMIM 162200. Disease mechanism: loss of function.

Submission:

Labcorp Genetics (formerly Invitae), Labcorp
Classification: Uncertain significance for Neurofibromatosis, type 1. Last evaluated: 2024-03-10. Review status: criteria provided, single submitter. Criteria: Invitae Variant Classification Sherloc (09022015). Collection method: clinical testing. Allele origin: germline.
Comment: This variant, c.3310_3312del, results in the deletion of 1 amino acid(s) of the NF1 protein (p.Leu1104del), but otherwise preserves the integrity of the reading frame. This variant is not present in population databases (gnomAD no frequency). This variant has not been reported in the literature in individuals affected with NF1-related conditions. Experimental studies and prediction algorithms are not available or were not evaluated, and the functional significance of this variant is currently unknown. In summary, the available evidence is currently insufficient to determine the role of this variant in disease. Therefore, it has been classified as a Variant of Uncertain Significance.